The following is an entry in ClinVar:

NM_198578.4(LRRK2):c.6625G>C (p.Val2209Leu)

Gene: LRRK2 (leucine rich repeat kinase 2; plus strand). Cytogenetic location: 12q12.
Variant type: single nucleotide variant.
Coding change: c.6625G>C on transcript NM_198578.4 (MANE Select); coding-DNA position 6625, G replaced by C.
Protein change: p.Val2209Leu; replaces valine 2209 with leucine.
Molecular consequence: missense variant.
Genome position (GRCh38, 1-based): chr12:40,354,347, G>C. VCF-style: chr12-40354347-G-C. GRCh37 (hg19) VCF-style: chr12-40748149-G-C.
Other names: short protein forms V2209L.
Identifiers: ClinVar variation 1754538 (VCV001754538.3), dbSNP rs2499993379, ClinGen allele CA384408913.

ClinVar aggregate classification (germline): Uncertain significance (1 of 4 stars; one submission).

Conditions:
Inborn genetic diseases. Identifiers: MedGen C0950123, MeSH D030342.

Submission:

Ambry Genetics
Classification: Uncertain significance for Inborn genetic diseases. Last evaluated: 2024-05-07. Review status: criteria provided, single submitter. Criteria: Ambry Variant Classification Scheme 2023. Collection method: clinical testing. Allele origin: germline.
Comment: The p.V2209L variant (also known as c.6625G>C), located in coding exon 45 of the LRRK2 gene, results from a G to C substitution at nucleotide position 6625. The valine at codon 2209 is replaced by leucine, an amino acid with highly similar properties. This amino acid position is conserved. In addition, this alteration is predicted to be tolerated by in silico analysis. Since supporting evidence is limited at this time, the clinical significance of this alteration remains unclear.